The following is an entry in ClinVar:

ClinVar aggregate classification (germline): Uncertain significance (1 of 4 stars; one submission).

Conditions:
Amelocerebrohypohidrotic syndrome (KTZS). Also called: EPILEPSY AND YELLOW TEETH; EPILEPSY, DEMENTIA, AND AMELOGENESIS IMPERFECTA; KOHLSCHUTTER SYNDROME; Kohlschutter's syndrome. Identifiers: Orphanet 1946, MedGen C0406740, MONDO:0009185, OMIM 226750.

Allele frequency attached by ClinVar (database versions not stated): gnomAD 0.00001 and 0.00002; TOPMed 0.00002; ExAC 0.00004; ESP Exome Variant Server 0.00008.
gnomAD v4.1: 56 of 1,568,080 alleles (0.0036%); highest among the groups gnomAD compares: Non-Finnish European, 0.0046%; no homozygotes.

Submission:

Labcorp Genetics (formerly Invitae), Labcorp
Classification: Uncertain significance for Amelocerebrohypohidrotic syndrome. Last evaluated: 2022-08-15. Review status: criteria provided, single submitter. Criteria: Invitae Variant Classification Sherloc (09022015). Collection method: clinical testing. Allele origin: germline.
Comment: This sequence change replaces proline, which is neutral and non-polar, with threonine, which is neutral and polar, at codon 92 of the ROGDI protein (p.Pro92Thr). The frequency data for this variant in the population databases is considered unreliable, as metrics indicate poor data quality at this position in the gnomAD database. This variant has not been reported in the literature in individuals affected with ROGDI-related conditions. ClinVar contains an entry for this variant (Variation ID: 572636). Algorithms developed to predict the effect of missense changes on protein structure and function output the following: SIFT: "Tolerated"; PolyPhen-2: "Benign"; Align-GVGD: "Class C0". The threonine amino acid residue is found in multiple mammalian species, which suggests that this missense change does not adversely affect protein function. In summary, the available evidence is currently insufficient to determine the role of this variant in disease. Therefore, it has been classified as a Variant of Uncertain Significance.

NM_024589.3(ROGDI):c.274C>A (p.Pro92Thr)

Gene: ROGDI (rogdi atypical leucine zipper; minus strand). Cytogenetic location: 16p13.3.
Variant type: single nucleotide variant.
Coding change: c.274C>A on transcript NM_024589.3 (MANE Select); coding-DNA position 274, C replaced by A.
Protein change: p.Pro92Thr; replaces proline 92 with threonine.
Molecular consequence: missense variant. On other transcripts: non-coding transcript variant (1).
Genome position (GRCh38, 1-based): chr16:4,800,560, G>T on the plus strand (C>A on the coding strand, the complement: ROGDI is on the minus strand). VCF-style: chr16-4800560-G-T. GRCh37 (hg19) VCF-style: chr16-4850561-G-T.
Other names: short protein forms P92T.
Identifiers: ClinVar variation 572636 (VCV000572636.6), dbSNP rs143620755, ClinGen allele CA7882812.